The following is an entry in ClinVar:

ClinVar aggregate classification (germline): Conflicting classifications of pathogenicity. Review status: criteria provided, conflicting classifications (1 of 4 stars). 3 submissions from 2 submitters: Likely pathogenic (1); Uncertain significance (2). Last evaluated 2019-09-28.

Conditions:
Maturity-onset diabetes of the young (MODY). Also called: Maturity onset diabetes mellitus in young. Identifiers: Orphanet 552, MedGen C0342276, MONDO:0018911, HP:0004904.
Transitory neonatal diabetes mellitus. Also called: Transient neonatal diabetes mellitus. Identifiers: MedGen C0342273, MONDO:0020525, HP:0008255.

Submissions (3):

Labcorp Genetics (formerly Invitae), Labcorp
Classification: Likely pathogenic. Last evaluated: 2019-09-28. Review status: criteria provided, single submitter. Criteria: Invitae Variant Classification Sherloc (09022015). Collection method: clinical testing. Allele origin: germline.
Comment: In summary, the currently available evidence indicates that the variant is pathogenic, but additional data are needed to prove that conclusively. Therefore, this variant has been classified as Likely Pathogenic. Donor and acceptor splice site variants typically lead to a loss of protein function (PMID: 16199547), and loss-of-function variants in ABCC8 are known to be pathogenic (PMID: 20685672, 23345197). Algorithms developed to predict the effect of sequence changes on RNA splicing suggest that this variant may disrupt the consensus splice site, but this prediction has not been confirmed by published transcriptional studies. Disruption of this splice site has been observed in an individual affected with congenital hyperinsulinism (PMID: 24401662). This variant is not present in population databases (ExAC no frequency). This sequence change affects an acceptor splice site in intron 34 of the ABCC8 gene. It is expected to disrupt RNA splicing and likely results in an absent or disrupted protein product.

Clinical Genomics, Uppaluri K&H Personalized Medicine Clinic
Classification: Uncertain significance for Transitory neonatal diabetes mellitus. Review status: criteria provided, single submitter. Criteria: K & H Uppaluri Personalized Medicine Clinic Variant Classification & Assertion Criteria_Updated V.1. Collection method: research. Allele origin: somatic. Inheritance: Somatic mutation.
Comment: Mutations in ABCC8 gene are associated with both neonatal diabetes mellitus as well as MODY. Patients with this mutation may have a better response to sulfonylureas. However, no sufficient evidence is found to ascertain the role of this particular variant (rs1953885548 ) in neonatal diabetes yet.

Clinical Genomics, Uppaluri K&H Personalized Medicine Clinic
Classification: Uncertain significance for Maturity-onset diabetes of the young. Review status: criteria provided, single submitter. Criteria: K & H Uppaluri Personalized Medicine Clinic Variant Classification & Assertion Criteria_Updated V.1. Collection method: research. Allele origin: somatic. Inheritance: Somatic mutation.
Comment: Mutations in ABCC8 gene are associated with both neonatal diabetes mellitus as well as MODY. Patients with this mutation may have a better response to sulfonylureas. However, no sufficient evidence is found to ascertain the role of this particular variant (rs1953885548) in MODY yet.

Literature cited by the submitters: PubMed 16199547 (cited by Labcorp Genetics (formerly Invitae), Labcorp); PubMed 20685672 (cited by Labcorp Genetics (formerly Invitae), Labcorp); PubMed 23345197 (cited by Labcorp Genetics (formerly Invitae), Labcorp); PubMed 24401662 (cited by Labcorp Genetics (formerly Invitae), Labcorp); PubMed 16885549 (cited by Clinical Genomics, Uppaluri K&H Personalized Medicine Clinic); PubMed 21989597 (cited by Clinical Genomics, Uppaluri K&H Personalized Medicine Clinic); PubMed 27538677 (cited by Clinical Genomics, Uppaluri K&H Personalized Medicine Clinic); PubMed 18981553 (cited by Clinical Genomics, Uppaluri K&H Personalized Medicine Clinic); PubMed 32027066 (cited by Clinical Genomics, Uppaluri K&H Personalized Medicine Clinic); PubMed 16613899 (cited by Clinical Genomics, Uppaluri K&H Personalized Medicine Clinic); PubMed 18025408 (cited by Clinical Genomics, Uppaluri K&H Personalized Medicine Clinic); PubMed 32792356 (cited by Clinical Genomics, Uppaluri K&H Personalized Medicine Clinic).

NM_000352.6(ABCC8):c.4199-2A>G

Gene: ABCC8 (ATP binding cassette subfamily C member 8; minus strand). Cytogenetic location: 11p15.1.
Variant type: single nucleotide variant.
Coding change: c.4199-2A>G on transcript NM_000352.6 (MANE Select); the canonical splice acceptor site of the intron before coding-DNA position 4199, A replaced by G.
Molecular consequence: splice acceptor variant.
Genome position (GRCh38, 1-based): chr11:17,395,720, T>C on the plus strand (A>G on the coding strand, the complement: ABCC8 is on the minus strand). VCF-style: chr11-17395720-T-C. GRCh37 (hg19) VCF-style: chr11-17417267-T-C.
Other names: c.4202-2A>G (NM_001287174.3); c.4196-2A>G (NM_001351297.2); c.4199-2A>G (NM_001351296.2); c.4265-2A>G (NM_001351295.2).
Identifiers: ClinVar variation 936132 (VCV000936132.11), dbSNP rs1953885548, ClinGen allele CA379787565.